The following is an entry in ClinVar:

NM_003628.6(PKP4):c.2775T>G (p.Asn925Lys)

Genes: PKP4 (plakophilin 4; plus strand), PKP4-AS1 (PKP4 antisense RNA 1; minus strand). Cytogenetic location: 2q24.1.
Variant type: single nucleotide variant.
Coding change: c.2775T>G on transcript NM_003628.6 (MANE Select); coding-DNA position 2775, T replaced by G.
Protein change: p.Asn925Lys; replaces asparagine 925 with lysine.
Molecular consequence: missense variant.
Genome position (GRCh38, 1-based): chr2:158,669,766, T>G. VCF-style: chr2-158669766-T-G. GRCh37 (hg19) VCF-style: chr2-159526278-T-G.
Other names: c.2775T>G, p.Asn925Lys (NM_001005476.4, NM_001377218.1, NM_001377225.1); c.2772T>G, p.Asn924Lys (NM_001304969.3, NM_001377219.1, NM_001377220.1 and 2 more transcripts); c.1746T>G, p.Asn582Lys (NM_001304970.3); c.2769T>G, p.Asn923Lys (NM_001377222.1, NM_001377223.1); c.2766T>G, p.Asn922Lys (NM_001377224.1); short protein forms N922K, N923K, N925K, N582K, N924K.
Identifiers: ClinVar variation 3307137 (VCV003307137.1).

ClinVar aggregate classification (germline): Uncertain significance (1 of 4 stars; one submission).

Submission:

Ambry Genetics
Classification: Uncertain significance. Last evaluated: 2024-05-19. Review status: criteria provided, single submitter. Criteria: Ambry Variant Classification Scheme 2023. Collection method: clinical testing. Allele origin: germline.
Comment: The p.N925K variant (also known as c.2775T>G), located in coding exon 16 of the PKP4 gene, results from a T to G substitution at nucleotide position 2775. The asparagine at codon 925 is replaced by lysine, an amino acid with similar properties. This amino acid position is conserved. In addition, this alteration is predicted to be tolerated by in silico analysis. Based on the available evidence, the clinical significance of this variant remains unclear.